The following is an entry in ClinVar:

NM_177438.3(DICER1):c.308-10T>G

Gene: DICER1 (dicer 1, ribonuclease III; minus strand). Cytogenetic location: 14q32.13.
Variant type: single nucleotide variant.
Coding change: c.308-10T>G on transcript NM_177438.3 (MANE Select); 10 bases into the intron before coding-DNA position 308, T replaced by G.
Molecular consequence: intron variant.
Genome position (GRCh38, 1-based): chr14:95,131,649, A>C on the plus strand (T>G on the coding strand, the complement: DICER1 is on the minus strand). VCF-style: chr14-95131649-A-C. GRCh37 (hg19) VCF-style: chr14-95597986-A-C.
Other names: c.308-10T>G (NM_001271282.3, NM_001195573.1, NM_001291628.2 and 1 more transcripts).
Identifiers: ClinVar variation 1037383 (VCV001037383.11), dbSNP rs1893961835, ClinGen allele CA2156319931.

ClinVar aggregate classification (germline): Uncertain significance (1 of 4 stars; one submission).

Conditions:
DICER1-related tumor predisposition. Also called: DICER1 syndrome; DICER1-related pleuropulmonary blastoma cancer predisposition syndrome. Identifiers: Orphanet 284343, MedGen C3839822, MONDO:0100216.

Submission:

Labcorp Genetics (formerly Invitae), Labcorp
Classification: Uncertain significance for DICER1-related tumor predisposition. Last evaluated: 2022-01-27. Review status: criteria provided, single submitter. Criteria: Invitae Variant Classification Sherloc (09022015). Collection method: clinical testing. Allele origin: germline.
Comment: In summary, the available evidence is currently insufficient to determine the role of this variant in disease. Therefore, it has been classified as a Variant of Uncertain Significance. Algorithms developed to predict the effect of sequence changes on RNA splicing suggest that this variant may disrupt the consensus splice site. ClinVar contains an entry for this variant (Variation ID: 1037383). This variant has not been reported in the literature in individuals affected with DICER1-related conditions. This variant is not present in population databases (gnomAD no frequency). This sequence change falls in intron 3 of the DICER1 gene. It does not directly change the encoded amino acid sequence of the DICER1 protein.